The following is an entry in ClinVar:

ClinVar aggregate classification (germline): Uncertain significance (1 of 4 stars; one submission).

Conditions:
RAI1-related disorder. Also called: RAI1-related condition.

gnomAD v4.1: 15 of 1,613,922 alleles (0.00093%); highest among the groups gnomAD compares: Non-Finnish European, 0.0013%; no homozygotes.

Submission:

PreventionGenetics, part of Exact Sciences
Classification: Uncertain significance for RAI1-related condition. Last evaluated: 2025-03-20. Review status: criteria provided, single submitter. Criteria: ACMG Guidelines, 2015. Collection method: clinical testing. Allele origin: germline.
Comment: The RAI1 c.4229G>C variant is predicted to result in the amino acid substitution p.Gly1410Ala. To our knowledge, this variant has not been reported in the literature or in a large population database (gnomAD), indicating this variant is rare. At this time, the clinical significance of this variant is uncertain due to the absence of conclusive functional and genetic evidence.

NM_030665.4(RAI1):c.4229G>C (p.Gly1410Ala)

Gene: RAI1 (retinoic acid induced 1; plus strand). Cytogenetic location: 17p11.2.
Variant type: single nucleotide variant.
Coding change: c.4229G>C on transcript NM_030665.4 (MANE Select); coding-DNA position 4229, G replaced by C.
Protein change: p.Gly1410Ala; replaces glycine 1410 with alanine.
Molecular consequence: missense variant.
Genome position (GRCh38, 1-based): chr17:17,797,177, G>C. VCF-style: chr17-17797177-G-C. GRCh37 (hg19) VCF-style: chr17-17700491-G-C.
Other names: short protein forms G1410A.
Identifiers: ClinVar variation 4987494 (VCV004987494.1).